The following is an entry in ClinVar:

NM_001127222.2(CACNA1A):c.6067G>C (p.Gly2023Arg)

Gene: CACNA1A (calcium voltage-gated channel subunit alpha1 A; minus strand). Cytogenetic location: 19p13.13.
Variant type: single nucleotide variant.
Coding change: c.6067G>C on transcript NM_001127222.2 (MANE Select); coding-DNA position 6067, G replaced by C.
Protein change: p.Gly2023Arg; replaces glycine 2023 with arginine.
Molecular consequence: missense variant.
Genome position (GRCh38, 1-based): chr19:13,212,506, C>G on the plus strand (G>C on the coding strand, the complement: CACNA1A is on the minus strand). VCF-style: chr19-13212506-C-G. GRCh37 (hg19) VCF-style: chr19-13323320-C-G.
Other names: c.6085G>C, p.Gly2029Arg (NM_000068.4, NM_023035.3); c.6070G>C, p.Gly2024Arg (NM_001127221.2); c.6076G>C, p.Gly2026Arg (NM_001174080.2); short protein forms G2026R, G2023R, G2024R, G2029R.
Identifiers: ClinVar variation 2941460 (VCV002941460.3), dbSNP rs574805525, ClinGen allele CA404333112.
Genomic context (GRCh38, chr19:13,212,506, plus strand): 5'-CCGTCTTCTGGAACATCTCCTGGGCACGCTGGGTCACCCAGGACGGGCTCTCCTTGAGGC[C>G]GCTTTCGTGAGCCATCCTGCATGGGGGACAGAGGCCGGGGTAGCAGTGGGCGCTTGGGCA-3'
Protein context (NP_001120694.1, residues 2013-2033): PGGALMAHES[Gly2023Arg]LKESPSWVTQ

ClinVar aggregate classification (germline): Uncertain significance (1 of 4 stars; one submission).

Conditions:
Episodic ataxia type 2 (EA2). Also called: CEREBELLAR ATAXIA, PAROXYSMAL, ACETAZOLAMIDE-RESPONSIVE; CEREBELLOPATHY, HEREDITARY PAROXYSMAL; EPISODIC ATAXIA, NYSTAGMUS-ASSOCIATED; ACETAZOLAMIDE-RESPONSIVE HEREDITARY PAROXYSMAL CEREBELLAR ATAXIA; ATAXIA, EPISODIC, WITH NYSTAGMUS; ATAXIA, FAMILIAL PAROXYSMAL. Identifiers: Orphanet 97, MedGen C1720416, MONDO:0007163, OMIM 108500.
Developmental and epileptic encephalopathy, 42 (DEE42A). Also called: Epileptic encephalopathy, early infantile, 42; DEVELOPMENTAL AND EPILEPTIC ENCEPHALOPATHY 42A; EPILEPTIC ENCEPHALOPATHY, EARLY INFANTILE, 42A. Identifiers: MedGen C4310716, MONDO:0014917, OMIM 617106.

gnomAD v4.1: 1 of 1,576,262 alleles (0.000063%); highest among the groups gnomAD compares: Non-Finnish European, 0.000086%; no homozygotes.

Submission:

Labcorp Genetics (formerly Invitae), Labcorp
Classification: Uncertain significance for Developmental and epileptic encephalopathy, 42; Episodic ataxia type 2. Last evaluated: 2022-12-26. Review status: criteria provided, single submitter. Criteria: Invitae Variant Classification Sherloc (09022015). Collection method: clinical testing. Allele origin: germline.
Comment: In summary, the available evidence is currently insufficient to determine the role of this variant in disease. Therefore, it has been classified as a Variant of Uncertain Significance. Advanced modeling of protein sequence and biophysical properties (such as structural, functional, and spatial information, amino acid conservation, physicochemical variation, residue mobility, and thermodynamic stability) performed at Invitae indicates that this missense variant is not expected to disrupt CACNA1A protein function. This variant has not been reported in the literature in individuals affected with CACNA1A-related conditions. This variant is not present in population databases (gnomAD no frequency). This sequence change replaces glycine, which is neutral and non-polar, with arginine, which is basic and polar, at codon 2024 of the CACNA1A protein (p.Gly2024Arg).